The following is an entry in ClinVar:

NM_032119.4(ADGRV1):c.8155+4G>T

Gene: ADGRV1 (adhesion G protein-coupled receptor V1; plus strand). Cytogenetic location: 5q14.3.
Variant type: single nucleotide variant.
Coding change: c.8155+4G>T on transcript NM_032119.4 (MANE Select); 4 bases into the intron after coding-DNA position 8155, G replaced by T.
Molecular consequence: intron variant.
Genome position (GRCh38, 1-based): chr5:90,697,150, G>T. VCF-style: chr5-90697150-G-T. GRCh37 (hg19) VCF-style: chr5-89992967-G-T.
Identifiers: ClinVar variation 46385 (VCV000046385.5), dbSNP rs397517438, ClinGen allele CA138235.

ClinVar aggregate classification (germline): Uncertain significance. Review status: criteria provided, multiple submitters, no conflicts (2 of 4 stars). 2 submissions from 2 submitters: Uncertain significance (2). Last evaluated 2011-11-07.

Allele frequency attached by ClinVar (database versions not stated): gnomAD exomes below 0.00001; TOPMed below 0.00001.
gnomAD v4.1: 2 of 1,607,814 alleles (0.00012%); highest among the groups gnomAD compares: African/African-American, 0.0013%; no homozygotes.

Submissions (2):

Laboratory for Molecular Medicine, Mass General Brigham Personalized Medicine
Classification: Uncertain significance. Last evaluated: 2011-11-07. Review status: criteria provided, single submitter. Criteria: LMM Criteria. Collection method: clinical testing. Allele origin: germline. Observed: 1 variant allele.
Comment: Variant classified as Uncertain Significance - Favor Benign. The 8155+4G>T varia nt in GPR98 has not been reported in the literature nor previously reported by o ur laboratory. This variant is located in the 5' splice region but does not affe ct the invariant +1 and +2 positions. However, positions +3 to +6 are part of th e splicing consensus sequence and variants involving these positions sometimes a ffect splicing. Although position +4 is part of the splice site region, the refe rence sequence was already divergent from consensus (normally an A at this posit ion) and therefore this variant is less likely to disrupt splicing. In addition , splicing prediction programs do not predict a lower score for splice consensus sequence matching. In summary, based upon the arguments described above, we wou ld lean towards a more likely benign role.

Breakthrough Genomics
Classification: Uncertain significance. Review status: criteria provided, single submitter. Criteria: ACMG Guidelines, 2015. Collection method: not provided. Allele origin: germline. Inheritance: Autosomal recessive inheritance. Affected: yes.